The following is an entry in ClinVar:

ClinVar aggregate classification (germline): Pathogenic/Likely pathogenic. Review status: criteria provided, multiple submitters, no conflicts (2 of 4 stars). 3 submissions from 3 submitters: Pathogenic (1); Likely pathogenic (2). Last evaluated 2026-01-09.

Conditions:
Hyperornithinemia-hyperammonemia-homocitrullinuria syndrome (HHHS). Also called: Ornithine translocase deficiency; HHH SYNDROME. Identifiers: Orphanet 415, MedGen C0268540, MONDO:0009393, OMIM 238970.

Submissions (3):

Labcorp Genetics (formerly Invitae), Labcorp
Classification: Pathogenic for Hyperornithinemia-hyperammonemia-homocitrullinuria syndrome. Last evaluated: 2026-01-09. Review status: criteria provided, single submitter. Criteria: Invitae Variant Classification Sherloc (09022015). Collection method: clinical testing. Allele origin: germline.
Comment: This sequence change replaces glycine, which is neutral and non-polar, with cysteine, which is neutral and slightly polar, at codon 113 of the SLC25A15 protein (p.Gly113Cys). This variant is not present in population databases (gnomAD no frequency). This missense change has been observed in individual(s) with hyperornithinemia, hyperammonemia, homocitrullinuria (HHH) syndrome (PMID: 16601889, 30243302). In at least one individual the data is consistent with being in trans (on the opposite chromosome) from a pathogenic variant. ClinVar contains an entry for this variant (Variation ID: 38397). Invitae Evidence Modeling of protein sequence and biophysical properties (such as structural, functional, and spatial information, amino acid conservation, physicochemical variation, residue mobility, and thermodynamic stability) indicates that this missense variant is expected to disrupt SLC25A15 protein function with a positive predictive value of 95%. Experimental studies have shown that this missense change affects SLC25A15 function (PMID: 19242930, 26589310). For these reasons, this variant has been classified as Pathogenic.

Fulgent Genetics
Classification: Likely pathogenic for Hyperornithinemia-hyperammonemia-homocitrullinuria syndrome. Last evaluated: 2024-05-15. Review status: criteria provided, single submitter. Criteria: ACMG Guidelines, 2015. Collection method: clinical testing. Allele origin: germline.

Women's Health and Genetics/Laboratory Corporation of America, LabCorp
Classification: Likely pathogenic for Hyperornithinemia-hyperammonemia-homocitrullinuria syndrome. Last evaluated: 2024-05-15. Review status: criteria provided, single submitter. Criteria: LabCorp Variant Classification Summary - May 2015. Collection method: clinical testing. Allele origin: germline.
Comment: Variant summary: SLC25A15 c.337G>T (p.Gly113Cys) results in a non-conservative amino acid change in the encoded protein sequence. Five of five in-silico tools predict a damaging effect of the variant on protein function. The variant was absent in 251448 control chromosomes (gnomAD). c.337G>T has been reported in the literature in at least one individual affected with hyperornithinemia-hyperammonemia-homocitrullinuria syndrome (e.g. Fecarotta_2006, Martinelli_2015). At least one in vitro functional study revealed that this variant markedly reduces transport activities compared to wild-type protein (Tessa_2008). Additionally, another missense change at the same codon (e.g. p.Gly113Ser), has been classified as pathogenic in ClinVar suggesting this is a functionally important residue. The following publications have been ascertained in the context of this evaluation (PMID: 26589310, 16601889, 25874378, 19242930). ClinVar contains an entry for this variant (Variation ID: 38397). Based on the evidence outlined above, the variant was classified as likely pathogenic.

Literature cited by the submitters: PubMed 16601889 (cited by Labcorp Genetics (formerly Invitae), Labcorp and Women's Health and Genetics/Laboratory Corporation of America, LabCorp); PubMed 30243302 (cited by Labcorp Genetics (formerly Invitae), Labcorp); PubMed 19242930 (cited by Labcorp Genetics (formerly Invitae), Labcorp and Women's Health and Genetics/Laboratory Corporation of America, LabCorp); PubMed 26589310 (cited by Labcorp Genetics (formerly Invitae), Labcorp and Women's Health and Genetics/Laboratory Corporation of America, LabCorp); PubMed 25874378 (cited by Women's Health and Genetics/Laboratory Corporation of America, LabCorp).

NM_014252.4(SLC25A15):c.337G>T (p.Gly113Cys)

Gene: SLC25A15 (solute carrier family 25 member 15; plus strand). Cytogenetic location: 13q14.11.
Variant type: single nucleotide variant.
Coding change: c.337G>T on transcript NM_014252.4 (MANE Select); coding-DNA position 337, G replaced by T.
Protein change: p.Gly113Cys; replaces glycine 113 with cysteine.
Molecular consequence: missense variant.
Genome position (GRCh38, 1-based): chr13:40,805,140, G>T. VCF-style: chr13-40805140-G-T. GRCh37 (hg19) VCF-style: chr13-41379276-G-T.
Other names: short protein forms G113C.
Identifiers: ClinVar variation 38397 (VCV000038397.12), dbSNP rs199894905, ClinGen allele CA343038.